The following is an entry in ClinVar:

NM_003051.4(SLC16A1):c.1447T>A (p.Ser483Thr)

Gene: SLC16A1 (solute carrier family 16 member 1; minus strand). Cytogenetic location: 1p13.2.
Variant type: single nucleotide variant.
Coding change: c.1447T>A on transcript NM_003051.4 (MANE Select); coding-DNA position 1447, T replaced by A.
Protein change: p.Ser483Thr; replaces serine 483 with threonine.
Molecular consequence: missense variant.
Genome position (GRCh38, 1-based): chr1:112,913,947, A>T on the plus strand (T>A on the coding strand, the complement: SLC16A1 is on the minus strand). VCF-style: chr1-112913947-A-T. GRCh37 (hg19) VCF-style: chr1-113456569-A-T.
Other names: c.1447T>A, p.Ser483Thr (NM_001166496.2); short protein forms S483T.
Identifiers: ClinVar variation 2698170 (VCV002698170.3), dbSNP rs2525072558, ClinGen allele CA341826755.

ClinVar aggregate classification (germline): Uncertain significance (1 of 4 stars; one submission).

Submission:

Labcorp Genetics (formerly Invitae), Labcorp
Classification: Uncertain significance. Last evaluated: 2024-11-11. Review status: criteria provided, single submitter. Criteria: Invitae Variant Classification Sherloc (09022015). Collection method: clinical testing. Allele origin: germline.
Comment: This sequence change replaces serine, which is neutral and polar, with threonine, which is neutral and polar, at codon 483 of the SLC16A1 protein (p.Ser483Thr). This variant is not present in population databases (gnomAD no frequency). This variant has not been reported in the literature in individuals affected with SLC16A1-related conditions. ClinVar contains an entry for this variant (Variation ID: 2698170). An algorithm developed to predict the effect of missense changes on protein structure and function (PolyPhen-2) suggests that this variant is likely to be tolerated. In summary, the available evidence is currently insufficient to determine the role of this variant in disease. Therefore, it has been classified as a Variant of Uncertain Significance.